The following is an entry in ClinVar:

NM_000113.3(TOR1A):c.886A>G (p.Ile296Val)

Gene: TOR1A (torsin family 1 member A; minus strand). Cytogenetic location: 9q34.11.
Variant type: single nucleotide variant.
Coding change: c.886A>G on transcript NM_000113.3 (MANE Select); coding-DNA position 886, A replaced by G.
Protein change: p.Ile296Val; replaces isoleucine 296 with valine.
Molecular consequence: missense variant.
Genome position (GRCh38, 1-based): chr9:129,814,085, T>C on the plus strand (A>G on the coding strand, the complement: TOR1A is on the minus strand). VCF-style: chr9-129814085-T-C. GRCh37 (hg19) VCF-style: chr9-132576364-T-C.
Other names: short protein forms I296V.
Identifiers: ClinVar variation 2190395 (VCV002190395.4), dbSNP rs143571401, ClinGen allele CA5278514.

ClinVar aggregate classification (germline): Uncertain significance (1 of 4 stars; one submission).

Conditions:
Dystonic disorder. Also called: Dystonia. Identifiers: MedGen C0013421, MONDO:0003441, HP:0001332.

Allele frequency attached by ClinVar (database versions not stated): ExAC 0.00002; gnomAD 0.00003; TOPMed 0.00004; gnomAD exomes 0.00008.
gnomAD v4.1: 118 of 1,614,086 alleles (0.0073%); highest among the groups gnomAD compares: Non-Finnish European, 0.0092%; no homozygotes.

Submission:

Labcorp Genetics (formerly Invitae), Labcorp
Classification: Uncertain significance for Dystonic disorder. Last evaluated: 2022-04-20. Review status: criteria provided, single submitter. Criteria: Invitae Variant Classification Sherloc (09022015). Collection method: clinical testing. Allele origin: germline.
Comment: In summary, the available evidence is currently insufficient to determine the role of this variant in disease. Therefore, it has been classified as a Variant of Uncertain Significance. Algorithms developed to predict the effect of missense changes on protein structure and function output the following: SIFT: "Tolerated"; PolyPhen-2: "Benign"; Align-GVGD: "Class C0". The valine amino acid residue is found in multiple mammalian species, which suggests that this missense change does not adversely affect protein function. This variant has not been reported in the literature in individuals affected with TOR1A-related conditions. This variant is present in population databases (rs143571401, gnomAD 0.006%). This sequence change replaces isoleucine, which is neutral and non-polar, with valine, which is neutral and non-polar, at codon 296 of the TOR1A protein (p.Ile296Val).